The following is an entry in ClinVar:

NM_014846.4(WASHC5):c.511C>T (p.Arg171Ter)

Gene: WASHC5 (WASH complex subunit 5; minus strand). Cytogenetic location: 8q24.13.
Variant type: single nucleotide variant.
Coding change: c.511C>T on transcript NM_014846.4 (MANE Select); coding-DNA position 511, C replaced by T.
Protein change: p.Arg171Ter; replaces arginine 171 with a stop codon.
Molecular consequence: nonsense.
Genome position (GRCh38, 1-based): chr8:125,081,668, G>A on the plus strand (C>T on the coding strand, the complement: WASHC5 is on the minus strand). VCF-style: chr8-125081668-G-A. GRCh37 (hg19) VCF-style: chr8-126093910-G-A.
Other names: c.67C>T, p.Arg23Ter (NM_001330609.2); short protein forms R171*, R23*.
Identifiers: ClinVar variation 576266 (VCV000576266.9), dbSNP rs1462319941, ClinGen allele CA372266874.

ClinVar aggregate classification (germline): Conflicting classifications of pathogenicity. Review status: criteria provided, conflicting classifications (1 of 4 stars). 2 submissions from 2 submitters: Pathogenic (1); Uncertain significance (1). Last evaluated 2025-10-07.

Conditions:
Ritscher-Schinzel syndrome. Also called: CRANIOCEREBELLOCARDIAC DYSPLASIA. Identifiers: Orphanet 7, MedGen C0796137, MONDO:0019078.
Hereditary spastic paraplegia 8 (SPG8). Also called: SPASTIC PARAPLEGIA 8, AUTOSOMAL DOMINANT. Identifiers: Orphanet 100989, MedGen C1863704, MONDO:0011339, OMIM 603563.
WASHC5-related disorder. Also called: WASHC5-related condition.

Allele frequency attached by ClinVar (database versions not stated): gnomAD exomes below 0.00001 and 0.00001; gnomAD 0.00001; TOPMed 0.00001.
gnomAD v4.1: 9 of 1,595,892 alleles (0.00056%); highest among the groups gnomAD compares: Admixed American, 0.005%; no homozygotes.

Submissions (2):

PreventionGenetics, part of Exact Sciences
Classification: Uncertain significance for WASHC5-related condition. Last evaluated: 2025-10-07. Review status: criteria provided, single submitter. Criteria: ACMG Guidelines, 2015. Collection method: clinical testing. Allele origin: germline.
Comment: The WASHC5 c.511C>T variant is predicted to result in premature protein termination (p.Arg171*). To our knowledge, this variant has not been reported in the literature. This variant is reported in 0.0029% of alleles in individuals of Latino descent in gnomAD. At this time, the clinical significance of this variant is uncertain due to the absence of conclusive functional and genetic evidence.

Labcorp Genetics (formerly Invitae), Labcorp
Classification: Pathogenic for Ritscher-Schinzel syndrome; Hereditary spastic paraplegia 8. Last evaluated: 2024-01-24. Review status: criteria provided, single submitter. Criteria: Invitae Variant Classification Sherloc (09022015). Collection method: clinical testing. Allele origin: germline.
Comment: This sequence change creates a premature translational stop signal (p.Arg171*) in the WASHC5 gene. It is expected to result in an absent or disrupted protein product. Loss-of-function variants in WASHC5 are known to be pathogenic (PMID: 24065355). This variant is present in population databases (no rsID available, gnomAD 0.003%). This variant has not been reported in the literature in individuals affected with WASHC5-related conditions. ClinVar contains an entry for this variant (Variation ID: 576266). For these reasons, this variant has been classified as Pathogenic.

Literature cited by the submitters: PubMed 24065355 (cited by Labcorp Genetics (formerly Invitae), Labcorp).